The following is an entry in ClinVar:

NM_000292.3(PHKA2):c.2686G>T (p.Val896Phe)

Gene: PHKA2 (phosphorylase kinase regulatory subunit alpha 2; minus strand). Cytogenetic location: Xp22.13.
Variant type: single nucleotide variant.
Coding change: c.2686G>T on transcript NM_000292.3 (MANE Select); coding-DNA position 2686, G replaced by T.
Protein change: p.Val896Phe; replaces valine 896 with phenylalanine.
Molecular consequence: missense variant.
Genome position (GRCh38, 1-based): chrX:18,906,615, C>A on the plus strand (G>T on the coding strand, the complement: PHKA2 is on the minus strand). VCF-style: chrX-18906615-C-A. GRCh37 (hg19) VCF-style: chrX-18924733-C-A.
Other names: short protein forms V896F.
Identifiers: ClinVar variation 961577 (VCV000961577.10), dbSNP rs2047817433, ClinGen allele CA412382642.

ClinVar aggregate classification (germline): Uncertain significance (1 of 4 stars; one submission).

Conditions:
Glycogen storage disease IXa1. Also called: GLYCOGEN STORAGE DISEASE VIII; GSD VIII; Glycogen storage disease 8; LIVER GLYCOGENOSIS, X-LINKED, TYPE I. Identifiers: Orphanet 264580, MedGen C3694531, MONDO:0010598, OMIM 306000.

Allele frequency attached by ClinVar (database versions not stated): TOPMed below 0.00001; gnomAD 0.00001.
gnomAD v4.1: 2 of 1,200,311 alleles (0.00017%); highest among the groups gnomAD compares: Admixed American, 0.0044%; no homozygotes.

Submission:

Labcorp Genetics (formerly Invitae), Labcorp
Classification: Uncertain significance for Glycogen storage disease IXa1. Last evaluated: 2022-02-04. Review status: criteria provided, single submitter. Criteria: Invitae Variant Classification Sherloc (09022015). Collection method: clinical testing. Allele origin: germline.
Comment: In summary, the available evidence is currently insufficient to determine the role of this variant in disease. Therefore, it has been classified as a Variant of Uncertain Significance. Algorithms developed to predict the effect of missense changes on protein structure and function are either unavailable or do not agree on the potential impact of this missense change (SIFT: "Deleterious"; PolyPhen-2: "Probably Damaging"; Align-GVGD: "Class C0"). ClinVar contains an entry for this variant (Variation ID: 961577). This variant has not been reported in the literature in individuals affected with PHKA2-related conditions. This variant is not present in population databases (gnomAD no frequency). This sequence change replaces valine, which is neutral and non-polar, with phenylalanine, which is neutral and non-polar, at codon 896 of the PHKA2 protein (p.Val896Phe).